The following is an entry in ClinVar:

NM_022124.6(CDH23):c.9613_9616del (p.Ile3205fs)

Gene: CDH23 (cadherin related 23; plus strand). Cytogenetic location: 10q22.1.
Variant type: Deletion.
Coding change: c.9613_9616del on transcript NM_022124.6 (MANE Select); coding-DNA positions 9613 to 9616, 4 bases deleted (ATTC; older notation c.9613_9616delATTC).
Protein change: p.Ile3205fs; shifts the reading frame from isoleucine 3205.
Molecular consequence: frameshift variant.
Genome position (GRCh38, 1-based): chr10:71,812,870-71,812,873, ATTC deleted; deleting any 4 consecutive bases within chr10:71,812,868-71,812,873 gives the same sequence; the c. name uses the placement nearest the transcript's 3' end. VCF-style (leftmost placement, unchanged base first): chr10-71812867-ATCAT-A. GRCh37 (hg19) VCF-style: chr10-73572624-ATCAT-A.
Other names: c.2893_2896del, p.Ile965fs (NM_001171933.1, NM_001171934.1); c.304_307del, p.Ile102fs (NM_001171935.1, NM_001171936.1); short protein forms I102fs, I3205fs, I965fs.
Identifiers: ClinVar variation 3601775 (VCV003601775.1).
Genomic context (GRCh38, chr10:71,812,867, plus strand): 5'-GATGACCGATACCTGCGGGCTGCCATCCAGGAGTATGACAACATTGCCAAGCTGGGCCAG[ATCAT>A]TCGTGAGGGGCCAATCAAGGTGAGCCTTCCCTGCAGGCTCCGCGCCCAGTCCCTTGGCTG-3'

ClinVar aggregate classification (germline): Likely pathogenic (1 of 4 stars; one submission).

Conditions:
Autosomal recessive nonsyndromic hearing loss 12. Also called: DEAFNESS, AUTOSOMAL RECESSIVE 12. Identifiers: Orphanet 90636, MedGen C1832394, MONDO:0011067, OMIM 601386.

Submission:

Institute of Rare Diseases, West China Hospital, Sichuan University
Classification: Likely pathogenic for Autosomal recessive nonsyndromic hearing loss 12. Last evaluated: 2025-01-09. Review status: criteria provided, single submitter. Criteria: ClinGen HL ACMG Specifications v1. Collection method: research. Allele origin: germline. Affected: yes.
Comment: PVS1;PM2_Supporting